The following is an entry in ClinVar:

NM_032444.4(SLX4):c.3263T>C (p.Ile1088Thr)

Gene: SLX4 (SLX4 structure-specific endonuclease subunit; minus strand). Cytogenetic location: 16p13.3.
Variant type: single nucleotide variant.
Coding change: c.3263T>C on transcript NM_032444.4 (MANE Select); coding-DNA position 3263, T replaced by C.
Protein change: p.Ile1088Thr; replaces isoleucine 1088 with threonine.
Molecular consequence: missense variant.
Genome position (GRCh38, 1-based): chr16:3,590,375, A>G on the plus strand (T>C on the coding strand, the complement: SLX4 is on the minus strand). VCF-style: chr16-3590375-A-G. GRCh37 (hg19) VCF-style: chr16-3640376-A-G.
Other names: short protein forms I1088T.
Identifiers: ClinVar variation 1721877 (VCV001721877.5), dbSNP rs2151123938, ClinGen allele CA394520574.

ClinVar aggregate classification (germline): Uncertain significance (1 of 4 stars; one submission).

Conditions:
Fanconi anemia (FA). Also called: Fanconi's anemia. Identifiers: Orphanet 84, MedGen C0015625, MeSH D005199, MONDO:0019391.

Submission:

Labcorp Genetics (formerly Invitae), Labcorp
Classification: Uncertain significance for Fanconi anemia. Last evaluated: 2022-10-19. Review status: criteria provided, single submitter. Criteria: Invitae Variant Classification Sherloc (09022015). Collection method: clinical testing. Allele origin: germline.
Comment: In summary, the available evidence is currently insufficient to determine the role of this variant in disease. Therefore, it has been classified as a Variant of Uncertain Significance. Algorithms developed to predict the effect of missense changes on protein structure and function (SIFT, PolyPhen-2, Align-GVGD) all suggest that this variant is likely to be tolerated. This variant has not been reported in the literature in individuals affected with SLX4-related conditions. This variant is not present in population databases (gnomAD no frequency). This sequence change replaces isoleucine, which is neutral and non-polar, with threonine, which is neutral and polar, at codon 1088 of the SLX4 protein (p.Ile1088Thr).